The following is an entry in ClinVar:

ClinVar aggregate classification (germline): Uncertain significance (1 of 4 stars; one submission).

Conditions:
Cohen syndrome (COH1). Also called: PEPPER SYNDROME; Cutis verticis gyrata, retinitis pigmentosa, and sensorineural deafness. Identifiers: Orphanet 193, MedGen C0265223, MONDO:0008999, OMIM 216550.

Allele frequency attached by ClinVar (database versions not stated): gnomAD exomes below 0.00001.
gnomAD v4.1: 5 of 1,614,028 alleles (0.00031%); highest among the groups gnomAD compares: Non-Finnish European, 0.00034%; no homozygotes.

Submission:

Labcorp Genetics (formerly Invitae), Labcorp
Classification: Uncertain significance for Cohen syndrome. Last evaluated: 2022-08-09. Review status: criteria provided, single submitter. Criteria: Invitae Variant Classification Sherloc (09022015). Collection method: clinical testing. Allele origin: germline.
Comment: This sequence change replaces proline with leucine at codon 883 of the VPS13B protein (p.Pro883Leu). The proline residue is weakly conserved and there is a moderate physicochemical difference between proline and leucine. This variant is present in population databases (no rsID available, gnomAD 0.0009%). This variant has not been reported in the literature in individuals affected with VPS13B-related conditions. ClinVar contains an entry for this variant (Variation ID: 1480931). Algorithms developed to predict the effect of missense changes on protein structure and function are either unavailable or do not agree on the potential impact of this missense change (SIFT: "Not Available"; PolyPhen-2: "Probably Damaging"; Align-GVGD: "Not Available"). In summary, the available evidence is currently insufficient to determine the role of this variant in disease. Therefore, it has been classified as a Variant of Uncertain Significance.

NM_152564.5(VPS13B):c.2648C>T (p.Pro883Leu)

Gene: VPS13B (vacuolar protein sorting 13 homolog B; plus strand). Cytogenetic location: 8q22.2.
Variant type: single nucleotide variant.
Coding change: c.2648C>T on transcript NM_152564.5 (MANE Select); coding-DNA position 2648, C replaced by T.
Protein change: p.Pro883Leu; replaces proline 883 with leucine.
Molecular consequence: missense variant.
Genome position (GRCh38, 1-based): chr8:99,274,330, C>T. VCF-style: chr8-99274330-C-T. GRCh37 (hg19) VCF-style: chr8-100286558-C-T.
Other names: c.2648C>T, p.Pro883Leu (NM_017890.5); short protein forms P883L.
Identifiers: ClinVar variation 1480931 (VCV001480931.5), dbSNP rs1192025517, ClinGen allele CA371862369.